The following is an entry in ClinVar:

NM_005027.4(PIK3R2):c.1766A>G (p.Lys589Arg)

Genes: PIK3R2 (phosphoinositide-3-kinase regulatory subunit 2; plus strand), LOC130063980 (ATAC-STARR-seq lymphoblastoid active region 14302; plus strand). Cytogenetic location: 19p13.11.
Variant type: single nucleotide variant.
Coding change: c.1766A>G on transcript NM_005027.4 (MANE Select); coding-DNA position 1766, A replaced by G.
Protein change: p.Lys589Arg; replaces lysine 589 with arginine.
Molecular consequence: missense variant. On other transcripts: non-coding transcript variant (2).
Genome position (GRCh38, 1-based): chr19:18,168,504, A>G. VCF-style: chr19-18168504-A-G. GRCh37 (hg19) VCF-style: chr19-18279314-A-G.
Other names: short protein forms K589R.
Identifiers: ClinVar variation 2109735 (VCV002109735.17), dbSNP rs2513572308, ClinGen allele CA404814709.

ClinVar aggregate classification (germline): Conflicting classifications of pathogenicity. Review status: criteria provided, conflicting classifications (1 of 4 stars). 2 submissions from 2 submitters: Uncertain significance (1); Benign (1). Last evaluated 2024-12-01.

Conditions:
Megalencephaly-polymicrogyria-postaxial polydactyly-hydrocephalus syndrome. Also called: MPPH Syndrome; MEG-PMG-MEGACC SYNDROME. Identifiers: Orphanet 83473, MedGen C1863924, MONDO:0019375.

Allele frequency attached by ClinVar (database versions not stated): gnomAD exomes below 0.00001.
gnomAD v4.1: 2 of 781,154 alleles (0.00026%); highest among the groups gnomAD compares: Non-Finnish European, 0.00048%; no homozygotes.

Submissions (2):

CeGaT Center for Human Genetics Tuebingen
Classification: Uncertain significance. Last evaluated: 2024-12-01. Review status: criteria provided, single submitter. Criteria: CeGaT Center For Human Genetics Tuebingen Variant Classification Criteria Version 2. Collection method: clinical testing. Allele origin: germline. Affected: yes. Observed: 1 variant allele.
Comment: PIK3R2: PM2

Labcorp Genetics (formerly Invitae), Labcorp
Classification: Benign for Megalencephaly-polymicrogyria-postaxial polydactyly-hydrocephalus syndrome. Last evaluated: 2024-07-15. Review status: criteria provided, single submitter. Criteria: Invitae Variant Classification Sherloc (09022015). Collection method: clinical testing. Allele origin: germline.